The following is an entry in ClinVar:

NM_145059.3(FCSK):c.2048G>A (p.Arg683His)

Gene: FCSK (fucose kinase; plus strand). Cytogenetic location: 16q22.1.
Variant type: single nucleotide variant.
Coding change: c.2048G>A on transcript NM_145059.3 (MANE Select); coding-DNA position 2048, G replaced by A.
Protein change: p.Arg683His; replaces arginine 683 with histidine.
Molecular consequence: missense variant.
Genome position (GRCh38, 1-based): chr16:70,474,587, G>A. VCF-style: chr16-70474587-G-A. GRCh37 (hg19) VCF-style: chr16-70508490-G-A.
Other names: short protein forms R683H.
Identifiers: ClinVar variation 4668135 (VCV004668135.2).

ClinVar aggregate classification (germline): Uncertain significance. Review status: criteria provided, multiple submitters, no conflicts (2 of 4 stars). 2 submissions from 2 submitters: Uncertain significance (2). Last evaluated 2025-11-03.

gnomAD v4.1: 51 of 1,565,502 alleles (0.0033%); highest among the groups gnomAD compares: South Asian, 0.041%; no homozygotes.

Submissions (2):

Ambry Genetics
Classification: Uncertain significance. Last evaluated: 2025-11-03. Review status: criteria provided, single submitter. Criteria: Ambry Variant Classification Scheme 2023. Collection method: clinical testing. Allele origin: germline.

Labcorp Genetics (formerly Invitae), Labcorp
Classification: Uncertain significance. Last evaluated: 2025-06-29. Review status: criteria provided, single submitter. Criteria: Invitae Variant Classification Sherloc (09022015). Collection method: clinical testing. Allele origin: germline.
Comment: This sequence change replaces arginine, which is basic and polar, with histidine, which is basic and polar, at codon 683 of the FUK protein (p.Arg683His). The frequency data for this variant in the population databases is considered unreliable, as metrics indicate poor data quality at this position in the gnomAD database. This variant has not been reported in the literature in individuals affected with FUK-related conditions. An algorithm developed to predict the effect of missense changes on protein structure and function (PolyPhen-2) suggests that this variant is likely to be disruptive. In summary, the available evidence is currently insufficient to determine the role of this variant in disease. Therefore, it has been classified as a Variant of Uncertain Significance.